The following is an entry in ClinVar:

ClinVar aggregate classification (germline): Pathogenic. Review status: criteria provided, single submitter (1 of 4 stars). 2 submissions from 2 submitters: Pathogenic (1). 1 of the submissions does not count toward it.

Conditions:
3-methylglutaconic aciduria type 9. Also called: 3-METHYLGLUTACONIC ACIDURIA, TYPE IX. Identifiers: Orphanet 505216, MedGen C4540171, MONDO:0044724, OMIM 617698.
Mitochondrial encephalopathy. Identifiers: MedGen C1852373, HP:0006789.

Allele frequency attached by ClinVar (database versions not stated): gnomAD exomes below 0.00001; ExAC 0.00001.
gnomAD v4.1: 1 of 1,614,092 alleles (0.000062%); highest among the groups gnomAD compares: Non-Finnish European, 0.000085%; no homozygotes.

Submissions (2):

Zeviani Lab, University of Cambridge
Classification: Pathogenic for Mitochondrial encephalopathy. Review status: criteria provided, single submitter. Criteria: ACMG Guidelines, 2015. Collection method: case-control, in vitro. Allele origin: germline, not applicable. Inheritance: Autosomal recessive inheritance. Affected: yes. Observed: 1 variant allele, 1 compound heterozygote.
Comment: In vitro functional analysis on skin fibroblasts showed low levels of TIMM50 and other components of the TIM23 complex, lower mitochondrial membrane potential and impaired TIM23-dependent protein import. As a consequence, steady-state levels of several components of mitochondrial respiratory chain were decreased, resulting in decreased respiration and increased ROS production.

OMIM
Classification: Pathogenic for 3-METHYLGLUTACONIC ACIDURIA, TYPE IX. Last evaluated: 2021-03-15. Review status: no assertion criteria provided. Collection method: literature only. Allele origin: germline. Not counted in ClinVar's aggregate classification.

Literature cited by the submitters: PubMed 30190335 (cited by OMIM).

NM_001001563.5(TIMM50):c.260G>C (p.Gly87Ala)

Gene: TIMM50 (translocase of inner mitochondrial membrane 50; plus strand). Cytogenetic location: 19q13.2.
Variant type: single nucleotide variant.
Coding change: c.260G>C on transcript NM_001001563.5 (MANE Select); coding-DNA position 260, G replaced by C.
Protein change: p.Gly87Ala; replaces glycine 87 with alanine.
Molecular consequence: missense variant. On other transcripts: 5 prime UTR variant (1).
Genome position (GRCh38, 1-based): chr19:39,482,885, G>C. VCF-style: chr19-39482885-G-C. GRCh37 (hg19) VCF-style: chr19-39973525-G-C.
Other names: TIMM50, GLY190ALA (rs776019250); c.-21G>C (NM_001329559.2); short protein forms G87A.
Identifiers: ClinVar variation 559479 (VCV000559479.4), dbSNP rs776019250, ClinGen allele CA9431729.